The following is an entry in ClinVar:

NM_000530.8(MPZ):c.136G>A (p.Val46Met)

Gene: MPZ (myelin protein zero; minus strand). Cytogenetic location: 1q23.3.
Variant type: single nucleotide variant.
Coding change: c.136G>A on transcript NM_000530.8 (MANE Select); coding-DNA position 136, G replaced by A.
Protein change: p.Val46Met; replaces valine 46 with methionine.
Molecular consequence: missense variant.
Genome position (GRCh38, 1-based): chr1:161,307,356, C>T on the plus strand (G>A on the coding strand, the complement: MPZ is on the minus strand). VCF-style: chr1-161307356-C-T. GRCh37 (hg19) VCF-style: chr1-161277146-C-T.
Other names: c.136G>A (LRG_256t1); c.136G>A, p.Val46Met (NM_001315491.2); short protein forms V46M.
Identifiers: ClinVar variation 637927 (VCV000637927.10), dbSNP rs1571820190, ClinGen allele CA343351312.
Genomic context (GRCh38, chr1:161,307,356, plus strand): 5'-AGGTGAAGGAGATGTCATCTGAGACCCACTCACTGGACCAGAAGGAGCAGTGCAGGGTCA[C>T]CCGGGAGCCCACAGCACCATGGACCTCCCTGTCGGTGTAAACCACGATGGCCTGGGCCGG-3'
Protein context (NP_000521.2, residues 36-56): REVHGAVGSR[Val46Met]TLHCSFWSSE

ClinVar aggregate classification (germline): Uncertain significance. Review status: criteria provided, single submitter (1 of 4 stars). 2 submissions from 2 submitters: Uncertain significance (1). 1 of the submissions does not count toward it. Last evaluated 2021-02-24.

Conditions:
Charcot-Marie-Tooth disease. Also called: Charcot-Marie-Tooth Hereditary Neuropathy; Charcot-Marie-Tooth Neuropathy. Identifiers: Orphanet 166, MedGen C0007959, MONDO:0015626.
Charcot-Marie-Tooth disease, type I (CMT1). Also called: Charcot-Marie-Tooth disease type 1; Charcot-Marie-Tooth, Type 1. Identifiers: Orphanet 65753, MedGen C0751036, MONDO:0019011.

Submissions (2):

Labcorp Genetics (formerly Invitae), Labcorp
Classification: Uncertain significance for Charcot-Marie-Tooth disease, type I. Last evaluated: 2021-02-24. Review status: criteria provided, single submitter. Criteria: Invitae Variant Classification Sherloc (09022015). Collection method: clinical testing. Allele origin: germline.
Comment: In summary, the available evidence is currently insufficient to determine the role of this variant in disease. Therefore, it has been classified as a Variant of Uncertain Significance. This sequence change replaces valine with methionine at codon 46 of the MPZ protein (p.Val46Met). The valine residue is highly conserved and there is a small physicochemical difference between valine and methionine. This variant is not present in population databases (ExAC no frequency). This variant has been observed in individual(s) with clinical features of Charcot-Marie-Tooth disease (PMID: 20456450). ClinVar contains an entry for this variant (Variation ID: 637927). Algorithms developed to predict the effect of missense changes on protein structure and function are either unavailable or do not agree on the potential impact of this missense change (SIFT: "Deleterious"; PolyPhen-2: "Probably Damaging"; Align-GVGD: "Class C15").

Inherited Neuropathy Consortium
Classification: Uncertain significance for Charcot-Marie-Tooth disease. Review status: no assertion criteria provided. Collection method: literature only. Allele origin: germline. Affected: yes. Not counted in ClinVar's aggregate classification.

Literature cited by the submitters: PubMed 20456450 (cited by Labcorp Genetics (formerly Invitae), Labcorp and Inherited Neuropathy Consortium).